The following is an entry in ClinVar:

NM_001034853.2(RPGR):c.1550dup (p.Leu517fs)

Gene: RPGR (retinitis pigmentosa GTPase regulator; minus strand). Cytogenetic location: Xp11.4.
Variant type: Duplication.
Coding change: c.1550dup on transcript NM_001034853.2 (MANE Select); coding-DNA position 1550, one base duplicated (T; older notation c.1550dupT).
Protein change: p.Leu517fs; shifts the reading frame from leucine 517.
Molecular consequence: frameshift variant. On other transcripts: non-coding transcript variant (6).
Genome position (GRCh38, 1-based): chrX:38,290,981, A duplicated on the plus strand (T on the coding strand, the reverse complement: RPGR is on the minus strand); the first of 2 consecutive A bases (chrX:38,290,981-38,290,982); duplicating either gives the same sequence. VCF-style (leftmost placement, unchanged base first): chrX-38290980-T-TA. GRCh37 (hg19) VCF-style: chrX-38150233-T-TA.
Other names: c.1550dup, p.Leu517fs (NM_000328.3, NM_001367247.1); c.1547dup, p.Leu516fs (NM_001367245.1, NM_001367249.1, NM_001367250.1); c.1364dup, p.Leu455fs (NM_001367246.1, NM_001367251.1); c.1580dup, p.Leu527fs (NM_001367248.1); short protein forms L517fs, L527fs, L455fs, L516fs.
Identifiers: ClinVar variation 4540626 (VCV004540626.1).

ClinVar aggregate classification (germline): Likely pathogenic (1 of 4 stars; one submission).

Conditions:
Retinitis pigmentosa 3. Also called: CHOROIDORETINAL DEGENERATION WITH RETINAL REFLEX IN HETEROZYGOUS WOMEN. Identifiers: Orphanet 791, MedGen C1845667, MONDO:0010227, OMIM 300029.

Submission:

Chongqing Key Laboratory of Prevention and Treatment of Major Blinding Diseases, The First Affiliated Hospital of Chongqing Medical University
Classification: Likely pathogenic for Retinitis pigmentosa 3. Last evaluated: 2024-10-02. Review status: criteria provided, single submitter. Criteria: ACMG Guidelines, 2015. Collection method: clinical testing. Allele origin: unknown. Inheritance: X-linked recessive inheritance. Affected: yes. Observed: 1 variant allele, 1 hemizygote.
Comment: The frameshift variant RPGR (NM_001034853.1): c.1550_1551insT (p.Leu517PhefsTer24) was interpreted as Likely Pathogenic according to ACMG/AMP guidelines. PVS1 (Very Strong): Null variant (frameshift insertion) predicted to cause loss of function by premature protein truncation. Loss-of-function is a known mechanism of disease for RPGR (X-linked retinitis pigmentosa). This prediction is supported by an in-house automated PVS1 annotation tool. PM2 (Moderate): Absent from (or at very low frequency in) population databases (gnomAD, 1000 Genomes, ExAC), supporting it is not a common benign variant. To our knowledge, this specific variant has not been previously reported in the literature.